The following is an entry in ClinVar:

NM_001005361.3(DNM2):c.1354T>G (p.Leu452Val)

Gene: DNM2 (dynamin 2; plus strand). Cytogenetic location: 19p13.2.
Variant type: single nucleotide variant.
Coding change: c.1354T>G on transcript NM_001005361.3 (MANE Select); coding-DNA position 1354, T replaced by G.
Protein change: p.Leu452Val; replaces leucine 452 with valine.
Molecular consequence: missense variant.
Genome position (GRCh38, 1-based): chr19:10,798,504, T>G. VCF-style: chr19-10798504-T-G. GRCh37 (hg19) VCF-style: chr19-10909180-T-G.
Other names: c.1354T>G, p.Leu452Val (NM_001005360.3, NM_001005362.3, NM_001190716.2 and 1 more transcripts); short protein forms L452V.
Identifiers: ClinVar variation 327979 (VCV000327979.14), dbSNP rs770599060, ClinGen allele CA9201129.

ClinVar aggregate classification (germline): Uncertain significance. Review status: criteria provided, multiple submitters, no conflicts (2 of 4 stars). 3 submissions from 2 submitters: Uncertain significance (3). Last evaluated 2025-11-03.

Conditions:
Charcot-Marie-Tooth disease dominant intermediate B (CMTDIB). Also called: CHARCOT-MARIE-TOOTH NEUROPATHY, DOMINANT INTERMEDIATE B; Charcot-Marie-Tooth disease dominant intermediate 1; CMT DI1; Charcot-Marie-Tooth disease dominant intermediate I. Identifiers: Orphanet 100044, Orphanet 228179, MedGen C1847902, MONDO:0011674, OMIM 606482.
Autosomal dominant centronuclear myopathy. Also called: MYOTUBULAR MYOPATHY, AUTOSOMAL DOMINANT; Myopathy, centronuclear, 3. Identifiers: Orphanet 169189, MedGen C4551952, MeSH D020914, MONDO:0008048, OMIM 160150.

Allele frequency attached by ClinVar (database versions not stated): ExAC 0.00001.
gnomAD v4.1: 19 of 1,613,936 alleles (0.0012%); highest among the groups gnomAD compares: Admixed American, 0.0017%; no homozygotes.

Submissions (3):

Labcorp Genetics (formerly Invitae), Labcorp
Classification: Uncertain significance for Charcot-Marie-Tooth disease dominant intermediate B. Last evaluated: 2025-11-03. Review status: criteria provided, single submitter. Criteria: Invitae Variant Classification Sherloc (09022015). Collection method: clinical testing. Allele origin: germline.
Comment: This sequence change replaces leucine, which is neutral and non-polar, with valine, which is neutral and non-polar, at codon 452 of the DNM2 protein (p.Leu452Val). This variant is present in population databases (rs770599060, gnomAD no frequency). This variant has not been reported in the literature in individuals affected with DNM2-related conditions. ClinVar contains an entry for this variant (Variation ID: 327979). Invitae Evidence Modeling of protein sequence and biophysical properties (such as structural, functional, and spatial information, amino acid conservation, physicochemical variation, residue mobility, and thermodynamic stability) indicates that this missense variant is expected to disrupt DNM2 protein function with a positive predictive value of 80%. In summary, the available evidence is currently insufficient to determine the role of this variant in disease. Therefore, it has been classified as a Variant of Uncertain Significance.

Illumina Laboratory Services, Illumina
Classification: Uncertain significance for Charcot-Marie-Tooth disease dominant intermediate B. Last evaluated: 2018-01-13. Review status: criteria provided, single submitter. Criteria: ICSL Variant Classification Criteria 13 December 2019. Collection method: clinical testing. Allele origin: germline.

Illumina Laboratory Services, Illumina
Classification: Uncertain significance for Autosomal dominant centronuclear myopathy. Last evaluated: 2018-01-13. Review status: criteria provided, single submitter. Criteria: ICSL Variant Classification Criteria 13 December 2019. Collection method: clinical testing. Allele origin: germline.